The following is an entry in ClinVar:

NM_000263.4(NAGLU):c.703T>C (p.Ser235Pro)

Gene: NAGLU (N-acetyl-alpha-glucosaminidase; plus strand). Cytogenetic location: 17q21.2.
Variant type: single nucleotide variant.
Coding change: c.703T>C on transcript NM_000263.4 (MANE Select); coding-DNA position 703, T replaced by C.
Protein change: p.Ser235Pro; replaces serine 235 with proline.
Molecular consequence: missense variant.
Genome position (GRCh38, 1-based): chr17:42,538,694, T>C. VCF-style: chr17-42538694-T-C. GRCh37 (hg19) VCF-style: chr17-40690712-T-C.
Other names: short protein forms S235P.
Identifiers: ClinVar variation 1491208 (VCV001491208.6), dbSNP rs2143088010, ClinGen allele CA399598927.

ClinVar aggregate classification (germline): Uncertain significance (1 of 4 stars; one submission).

Conditions:
Mucopolysaccharidosis, MPS-III-B (MPS3B). Also called: N-ACETYL-ALPHA-D-GLUCOSAMINIDASE DEFICIENCY; NAGLU DEFICIENCY; SANFILIPPO SYNDROME B; MPS III B; MPS IIIB (Sanfilippo Syndrome Type B); MUCOPOLYSACCHARIDOSIS, TYPE IIIB. Identifiers: Orphanet 79270, MedGen C0086648, MONDO:0009656, OMIM 252920.
Charcot-Marie-Tooth disease axonal type 2V. Also called: CHARCOT-MARIE-TOOTH NEUROPATHY, TYPE 2V; CHARCOT-MARIE-TOOTH DISEASE, AXONAL, AUTOSOMAL DOMINANT, TYPE 2V. Identifiers: Orphanet 447964, MedGen C5569050, MONDO:0014665, OMIM 616491.

Submission:

Labcorp Genetics (formerly Invitae), Labcorp
Classification: Uncertain significance for Charcot-Marie-Tooth disease axonal type 2V; Mucopolysaccharidosis, MPS-III-B. Last evaluated: 2021-11-27. Review status: criteria provided, single submitter. Criteria: Invitae Variant Classification Sherloc (09022015). Collection method: clinical testing. Allele origin: germline.
Comment: This sequence change replaces serine, which is neutral and polar, with proline, which is neutral and non-polar, at codon 235 of the NAGLU protein (p.Ser235Pro). This variant is not present in population databases (gnomAD no frequency). This variant has not been reported in the literature in individuals affected with NAGLU-related conditions. Advanced modeling of protein sequence and biophysical properties (such as structural, functional, and spatial information, amino acid conservation, physicochemical variation, residue mobility, and thermodynamic stability) performed at Invitae indicates that this missense variant is expected to disrupt NAGLU protein function. In summary, the available evidence is currently insufficient to determine the role of this variant in disease. Therefore, it has been classified as a Variant of Uncertain Significance.